The following is an entry in ClinVar:

NM_000070.3(CAPN3):c.801T>C (p.Asp267=)

Gene: CAPN3 (calpain 3; plus strand). Cytogenetic location: 15q15.1.
Variant type: single nucleotide variant.
Coding change: c.801T>C on transcript NM_000070.3 (MANE Select); coding-DNA position 801, T replaced by C.
Protein change: p.Asp267=; no amino-acid change (aspartic acid 267 retained).
Molecular consequence: synonymous variant.
Genome position (GRCh38, 1-based): chr15:42,389,096, T>C. VCF-style: chr15-42389096-T-C. GRCh37 (hg19) VCF-style: chr15-42681294-T-C.
Other names: c.801T>C, p.Asp267= (NM_024344.2, NM_173087.2).
Identifiers: ClinVar variation 1037134 (VCV001037134.4), dbSNP rs1271482252, ClinGen allele CA489878912.

ClinVar aggregate classification (germline): Uncertain significance (1 of 4 stars; one submission).

Conditions:
Autosomal recessive limb-girdle muscular dystrophy type 2A (LGMDR1). Also called: Calpainopathy; LEYDEN-MOEBIUS MUSCULAR DYSTROPHY; MUSCULAR DYSTROPHY, PELVOFEMORAL; Muscular dystrophy, limb-girdle, type 2A, Amish; Limb-girdle muscular dystrophy, type 2A. Identifiers: Orphanet 267, MedGen C1869123, MONDO:0009675, OMIM 253600. Disease mechanism: loss of function.

Allele frequency attached by ClinVar (database versions not stated): gnomAD 0.00001; gnomAD exomes 0.00001.
gnomAD v4.1: 24 of 1,613,718 alleles (0.0015%); highest among the groups gnomAD compares: Non-Finnish European, 0.0018%; no homozygotes.

Submission:

Labcorp Genetics (formerly Invitae), Labcorp
Classification: Uncertain significance for Autosomal recessive limb-girdle muscular dystrophy type 2A. Last evaluated: 2024-02-14. Review status: criteria provided, single submitter. Criteria: Invitae Variant Classification Sherloc (09022015). Collection method: clinical testing. Allele origin: germline.
Comment: This sequence change affects codon 267 of the CAPN3 mRNA. It is a 'silent' change, meaning that it does not change the encoded amino acid sequence of the CAPN3 protein. It affects a nucleotide within the consensus splice site. This variant is present in population databases (no rsID available, gnomAD 0.002%). This variant has not been reported in the literature in individuals affected with CAPN3-related conditions. ClinVar contains an entry for this variant (Variation ID: 1037134). Algorithms developed to predict the effect of sequence changes on RNA splicing suggest that this variant is not likely to affect RNA splicing. In summary, the available evidence is currently insufficient to determine the role of this variant in disease. Therefore, it has been classified as a Variant of Uncertain Significance.